The following is an entry in ClinVar:

NM_004380.3(CREBBP):c.4465C>G (p.Pro1489Ala)

Gene: CREBBP (CREB binding lysine acetyltransferase; minus strand). Cytogenetic location: 16p13.3.
Variant type: single nucleotide variant.
Coding change: c.4465C>G on transcript NM_004380.3 (MANE Select); coding-DNA position 4465, C replaced by G.
Protein change: p.Pro1489Ala; replaces proline 1489 with alanine.
Molecular consequence: missense variant.
Genome position (GRCh38, 1-based): chr16:3,736,745, G>C on the plus strand (C>G on the coding strand, the complement: CREBBP is on the minus strand). VCF-style: chr16-3736745-G-C. GRCh37 (hg19) VCF-style: chr16-3786746-G-C.
Other names: c.4351C>G, p.Pro1451Ala (NM_001079846.1); short protein forms P1489A, P1451A.
Identifiers: ClinVar variation 647863 (VCV000647863.7), dbSNP rs1303444757, ClinGen allele CA394563799.
Genomic context (GRCh38, chr16:3,736,745, plus strand): 5'-TGTCCAGCATCTTTTTGTACCACTCCTGCAGTCGTTTTGGCTTGGGTATTTTTTGATCAG[G>C]TGGGTGGCAATGGAAGATGTAATCATCTCCTTCACTTGGAGGACAGGCCCAGATGTGCCC-3'
Protein context (NP_004371.2, residues 1479-1499): GDDYIFHCHP[Pro1489Ala]DQKIPKPKRL

ClinVar aggregate classification (germline): Uncertain significance. Review status: criteria provided, multiple submitters, no conflicts (2 of 4 stars). 2 submissions from 2 submitters: Uncertain significance (2). Last evaluated 2026-05-04.

Conditions:
Rubinstein-Taybi syndrome (RSTS). Identifiers: Orphanet 783, MedGen C0035934, MONDO:0019188.
CREBBP-related disorder. Also called: CREBBP-related condition; CREBBP-related disorders.

Submissions (2):

PreventionGenetics, part of Exact Sciences
Classification: Uncertain significance for CREBBP-related condition. Last evaluated: 2026-05-04. Review status: criteria provided, single submitter. Criteria: ACMG Guidelines, 2015. Collection method: clinical testing. Allele origin: germline.
Comment: The CREBBP c.4465C>G variant is predicted to result in the amino acid substitution p.Pro1489Ala. To our knowledge, this variant has not been reported in the literature or in a large population database (gnomAD), indicating this variant is rare. At this time, the clinical significance of this variant is uncertain due to the absence of conclusive functional and genetic evidence.

Labcorp Genetics (formerly Invitae), Labcorp
Classification: Uncertain significance for Rubinstein-Taybi syndrome. Last evaluated: 2022-11-22. Review status: criteria provided, single submitter. Criteria: Invitae Variant Classification Sherloc (09022015). Collection method: clinical testing. Allele origin: germline.
Comment: Algorithms developed to predict the effect of sequence changes on RNA splicing suggest that this variant may create or strengthen a splice site. In summary, the available evidence is currently insufficient to determine the role of this variant in disease. Therefore, it has been classified as a Variant of Uncertain Significance. Advanced modeling of protein sequence and biophysical properties (such as structural, functional, and spatial information, amino acid conservation, physicochemical variation, residue mobility, and thermodynamic stability) performed at Invitae indicates that this missense variant is not expected to disrupt CREBBP protein function. ClinVar contains an entry for this variant (Variation ID: 647863). This variant has not been reported in the literature in individuals affected with CREBBP-related conditions. This variant is not present in population databases (gnomAD no frequency). This sequence change replaces proline, which is neutral and non-polar, with alanine, which is neutral and non-polar, at codon 1489 of the CREBBP protein (p.Pro1489Ala).